The following is an entry in ClinVar:

ClinVar aggregate classification (germline): Likely benign (1 of 4 stars; one submission).

Allele frequency attached by ClinVar (database versions not stated): gnomAD exomes 0.00002; gnomAD 0.00006; TOPMed 0.00007.
gnomAD v4.1: 35 of 1,537,028 alleles (0.0023%); highest among the groups gnomAD compares: Middle Eastern, 0.019%; no homozygotes.

Submission:

CeGaT Center for Human Genetics Tuebingen
Classification: Likely benign. Last evaluated: 2023-02-01. Review status: criteria provided, single submitter. Criteria: CeGaT Center For Human Genetics Tuebingen Variant Classification Criteria Version 2. Collection method: clinical testing. Allele origin: germline. Affected: yes. Observed: 1 variant allele.
Comment: KIF26A: BP4, BP7

NM_015656.2(KIF26A):c.4770C>T (p.Ser1590=)

Gene: KIF26A (kinesin family member 26A; plus strand). Cytogenetic location: 14q32.33.
Variant type: single nucleotide variant.
Coding change: c.4770C>T on transcript NM_015656.2 (MANE Select); coding-DNA position 4770, C replaced by T.
Protein change: p.Ser1590=; no amino-acid change (serine 1590 retained).
Molecular consequence: synonymous variant.
Genome position (GRCh38, 1-based): chr14:104,177,558, C>T. VCF-style: chr14-104177558-C-T. GRCh37 (hg19) VCF-style: chr14-104643895-C-T.
Identifiers: ClinVar variation 2644609 (VCV002644609.24), dbSNP rs763412160, ClinGen allele CA7371376.